The following is an entry in ClinVar:

ClinVar aggregate classification (germline): Uncertain significance (1 of 4 stars; one submission).

Allele frequency attached by ClinVar (database versions not stated): gnomAD exomes 0.00005 and 0.00013; ExAC 0.00007; TOPMed 0.00010; gnomAD 0.00011; ESP Exome Variant Server 0.00046.
gnomAD v4.1: 203 of 1,614,044 alleles (0.013%); highest among the groups gnomAD compares: Non-Finnish European, 0.016%; no homozygotes.

Submission:

Labcorp Genetics (formerly Invitae), Labcorp
Classification: Uncertain significance. Last evaluated: 2023-10-13. Review status: criteria provided, single submitter. Criteria: Invitae Variant Classification Sherloc (09022015). Collection method: clinical testing. Allele origin: germline.
Comment: This sequence change replaces arginine, which is basic and polar, with tryptophan, which is neutral and slightly polar, at codon 342 of the CDC45 protein (p.Arg342Trp). This variant is present in population databases (rs144918738, gnomAD 0.01%). This variant has not been reported in the literature in individuals affected with CDC45-related conditions. ClinVar contains an entry for this variant (Variation ID: 1407016). An algorithm developed to predict the effect of missense changes on protein structure and function (PolyPhen-2) suggests that this variant is likely to be disruptive. In summary, the available evidence is currently insufficient to determine the role of this variant in disease. Therefore, it has been classified as a Variant of Uncertain Significance.

NM_003504.5(CDC45):c.928C>T (p.Arg310Trp)

Gene: CDC45 (cell division cycle 45; plus strand). Cytogenetic location: 22q11.21.
Variant type: single nucleotide variant.
Coding change: c.928C>T on transcript NM_003504.5 (MANE Select); coding-DNA position 928, C replaced by T.
Protein change: p.Arg310Trp; replaces arginine 310 with tryptophan.
Molecular consequence: missense variant. On other transcripts: non-coding transcript variant (1).
Genome position (GRCh38, 1-based): chr22:19,507,489, C>T. VCF-style: chr22-19507489-C-T. GRCh37 (hg19) VCF-style: chr22-19495012-C-T.
Other names: c.1024C>T, p.Arg342Trp (NM_001178010.2); c.790C>T, p.Arg264Trp (NM_001178011.2); c.892C>T, p.Arg298Trp (NM_001369291.1); short protein forms R264W, R310W, R298W, R342W.
Identifiers: ClinVar variation 1407016 (VCV001407016.6), dbSNP rs144918738, ClinGen allele CA10101276.
Genomic context (GRCh38, chr22:19,507,489, plus strand): 5'-CTGTGCAACACCAGCTATACCGCAGCCAGGTTCAAGCTGTGGTCTGTGCATGGACAGAAG[C>T]GGCTCCAGGAGTTCCTTGCAGACATGGGGTGAGTGACTGCCTGGGCCTCTGCAGTGCCAG-3'
Protein context (NP_003495.1, residues 300-320): FKLWSVHGQK[Arg310Trp]LQEFLADMGL